The following is an entry in ClinVar:

ClinVar aggregate classification (germline): Benign. Review status: criteria provided, multiple submitters, no conflicts (2 of 4 stars). 5 submissions from 5 submitters: Benign (3). 2 of the submissions do not count toward it. Last evaluated 2026-02-04.

Allele frequency attached by ClinVar (database versions not stated): 1000 Genomes Project 0.97943; ESP Exome Variant Server 0.98331; 1000 Genomes Project 30x 0.97689; gnomAD 0.98324 and 0.98431; ExAC 0.99529; gnomAD exomes 0.99600 and 0.99853; TOPMed 0.98270.
gnomAD v4.1: 1,603,972 of 1,608,586 alleles (100%); highest among the groups gnomAD compares: East Asian, 100%; 799,796 homozygotes.

Submissions (5):

Labcorp Genetics (formerly Invitae), Labcorp
Classification: Benign. Last evaluated: 2026-02-04. Review status: criteria provided, single submitter. Criteria: Invitae Variant Classification Sherloc (09022015). Collection method: clinical testing. Allele origin: germline.

GeneDx
Classification: Benign. Last evaluated: 2019-10-17. Review status: criteria provided, single submitter. Criteria: GeneDx Variant Classification Process June 2021. Collection method: clinical testing. Allele origin: germline. Affected: yes.
Comment: This variant is associated with the following publications: (PMID: 31182772)

Breakthrough Genomics
Classification: Benign. Review status: criteria provided, single submitter. Criteria: ACMG Guidelines, 2015. Collection method: not provided. Allele origin: germline. Inheritance: Unknown mechanism. Affected: yes.

Clinical Genetics DNA and cytogenetics Diagnostics Lab, Erasmus MC, Erasmus Medical Center
Classification: Benign. Review status: no assertion criteria provided. Collection method: clinical testing. Allele origin: germline. Affected: yes. Study: VKGL Data-share Consensus. Not counted in ClinVar's aggregate classification.

Genome Diagnostics Laboratory, Amsterdam University Medical Center
Classification: Benign. Review status: no assertion criteria provided. Collection method: clinical testing. Allele origin: germline. Affected: yes. Study: VKGL Data-share Consensus. Not counted in ClinVar's aggregate classification.

NM_003105.6(SORL1):c.5899G>A (p.Val1967Ile)

Gene: SORL1 (sortilin related receptor 1; plus strand). Cytogenetic location: 11q24.1.
Variant type: single nucleotide variant.
Coding change: c.5899G>A on transcript NM_003105.6 (MANE Select); coding-DNA position 5899, G replaced by A.
Protein change: p.Val1967Ile; replaces valine 1967 with isoleucine.
Molecular consequence: missense variant.
Genome position (GRCh38, 1-based): chr11:121,621,073, G>A. VCF-style: chr11-121621073-G-A. GRCh37 (hg19) VCF-style: chr11-121491782-G-A.
Other names: short protein forms V1967I.
Identifiers: ClinVar variation 1209903 (VCV001209903.13), dbSNP rs1792120, ClinGen allele CA6330121.